The following is an entry in ClinVar:

NC_000017.10:g.(?_72281159)_(72285895_?)del

Gene: DNAI2 (dynein axonemal intermediate chain 2; plus strand). Cytogenetic location: 17q25.1.
Variant type: Deletion.
Identifiers: ClinVar variation 3242826 (VCV003242826.1).

ClinVar aggregate classification (germline): Pathogenic (1 of 4 stars; one submission).

Conditions:
Primary ciliary dyskinesia. Also called: Ciliary dyskinesia. Identifiers: Orphanet 244, MedGen C0008780, MONDO:0016575, HP:0012265.

Submission:

Labcorp Genetics (formerly Invitae), Labcorp
Classification: Pathogenic for Primary ciliary dyskinesia. Last evaluated: 2023-01-31. Review status: criteria provided, single submitter. Criteria: Invitae Variant Classification Sherloc (09022015). Collection method: clinical testing. Allele origin: unknown.
Comment: For these reasons, this variant has been classified as Pathogenic. This variant has not been reported in the literature in individuals affected with DNAI2-related conditions. This variant is a gross deletion of the genomic region encompassing exon(s) 3-5 of the DNAI2 gene. This deletion is out-of-frame, and is expected to create a premature termination codon and result in an absent or disrupted protein product. Loss-of-function variants in DNAI2 are known to be pathogenic (PMID: 18950741, 23891469).

Literature cited by the submitters: PubMed 18950741; PubMed 23891469.